The following is an entry in ClinVar:

NM_001854.4(COL11A1):c.898-296C>G

Gene: COL11A1 (collagen type XI alpha 1 chain; minus strand). Cytogenetic location: 1p21.1.
Variant type: single nucleotide variant.
Coding change: c.898-296C>G on transcript NM_001854.4 (MANE Select); 296 bases into the intron before coding-DNA position 898, C replaced by G.
Molecular consequence: intron variant. On other transcripts: missense variant (1).
Genome position (GRCh38, 1-based): chr1:103,025,909, G>C on the plus strand (C>G on the coding strand, the complement: COL11A1 is on the minus strand). VCF-style: chr1-103025909-G-C. GRCh37 (hg19) VCF-style: chr1-103491465-G-C.
Other names: c.824C>G, p.Thr275Ser (NM_080629.3); c.781-296C>G (NM_001190709.2); c.897+307C>G (NM_080630.4); short protein forms T275S.
Identifiers: ClinVar variation 2500538 (VCV002500538.1), dbSNP rs200483544, ClinGen allele CA341156282.

ClinVar aggregate classification (germline): Uncertain significance (1 of 4 stars; one submission).

gnomAD v4.1: 1 of 1,612,106 alleles (0.000062%); highest among the groups gnomAD compares: Admixed American, 0.0017%; no homozygotes.

Submission:

GeneDx
Classification: Uncertain significance. Last evaluated: 2022-10-28. Review status: criteria provided, single submitter. Criteria: GeneDx Variant Classification Process June 2021. Collection method: clinical testing. Allele origin: germline. Affected: yes.
Comment: Not observed at significant frequency in large population cohorts (gnomAD); In silico analysis supports that this missense variant does not alter protein structure/function; Has not been previously published as pathogenic or benign to our knowledge; Reported using an alternate transcript of the gene